The following is an entry in ClinVar:

ClinVar aggregate classification (germline): Uncertain significance (0 of 4 stars; one submission).

Conditions:
SEMA3G-related disorder. Also called: SEMA3G-related condition.

gnomAD v4.1: 12 of 1,612,292 alleles (0.00074%); highest among the groups gnomAD compares: South Asian, 0.0022%; no homozygotes.

Submission:

PreventionGenetics, part of Exact Sciences
Classification: Uncertain significance for SEMA3G-related condition. Last evaluated: 2024-03-23. Review status: no assertion criteria provided. Collection method: clinical testing. Allele origin: germline.
Comment: The SEMA3G c.667G>A variant is predicted to result in the amino acid substitution p.Asp223Asn. To our knowledge, this variant has not been reported in the literature. This variant is reported in 0.0040% of alleles in individuals of African descent in gnomAD. At this time, the clinical significance of this variant is uncertain due to the absence of conclusive functional and genetic evidence.

NM_020163.3(SEMA3G):c.667G>A (p.Asp223Asn)

Gene: SEMA3G (semaphorin 3G; minus strand). Cytogenetic location: 3p21.1.
Variant type: single nucleotide variant.
Coding change: c.667G>A on transcript NM_020163.3 (MANE Select); coding-DNA position 667, G replaced by A.
Protein change: p.Asp223Asn; replaces aspartic acid 223 with asparagine.
Molecular consequence: missense variant.
Genome position (GRCh38, 1-based): chr3:52,441,574, C>T on the plus strand (G>A on the coding strand, the complement: SEMA3G is on the minus strand). VCF-style: chr3-52441574-C-T. GRCh37 (hg19) VCF-style: chr3-52475590-C-T.
Other names: short protein forms D223N.
Identifiers: ClinVar variation 3351064 (VCV003351064.1).